The following is an entry in ClinVar:

ClinVar aggregate classification (germline): Conflicting classifications of pathogenicity. Review status: criteria provided, conflicting classifications (1 of 4 stars). 5 submissions from 4 submitters: Uncertain significance (2); Likely benign (3). Last evaluated 2025-11-18.

Conditions:
Autosomal recessive nonsyndromic hearing loss 12. Also called: DEAFNESS, AUTOSOMAL RECESSIVE 12. Identifiers: Orphanet 90636, MedGen C1832394, MONDO:0011067, OMIM 601386.
Usher syndrome type 1D (USH1D). Also called: USHER SYNDROME, TYPE ID. Identifiers: Orphanet 231169, Orphanet 886, MedGen C1832845, MONDO:0010984, OMIM 601067.
CDH23-related disorder. Also called: CDH23-related disorders; CDH23-related condition.

Allele frequency attached by ClinVar (database versions not stated): gnomAD 0.00004; gnomAD exomes 0.00004 and 0.00007; TOPMed 0.00004; ExAC 0.00008.
gnomAD v4.1: 111 of 1,606,894 alleles (0.0069%); highest among the groups gnomAD compares: Middle Eastern, 0.036%; no homozygotes.

Submissions (5):

Labcorp Genetics (formerly Invitae), Labcorp
Classification: Likely benign. Last evaluated: 2025-11-18. Review status: criteria provided, single submitter. Criteria: Invitae Variant Classification Sherloc (09022015). Collection method: clinical testing. Allele origin: germline.

PreventionGenetics, part of Exact Sciences
Classification: Likely benign for CDH23-related condition. Last evaluated: 2025-09-22. Review status: criteria provided, single submitter. Criteria: ACMG Guidelines, 2015. Collection method: clinical testing. Allele origin: germline.
Comment: This variant is classified as likely benign based on ACMG/AMP sequence variant interpretation guidelines (Richards et al. 2015 PMID: 25741868, with internal and published modifications).

Blueprint Genetics
Classification: Likely benign. Last evaluated: 2024-03-20. Review status: criteria provided, single submitter. Criteria: ACMG Guidelines, 2015. Collection method: clinical testing. Allele origin: germline.

Illumina Laboratory Services, Illumina
Classification: Uncertain significance for Usher syndrome type 1D. Last evaluated: 2018-01-12. Review status: criteria provided, single submitter. Criteria: ICSL Variant Classification Criteria 13 December 2019. Collection method: clinical testing. Allele origin: germline.

Illumina Laboratory Services, Illumina
Classification: Uncertain significance for Autosomal recessive nonsyndromic hearing loss 12. Last evaluated: 2018-01-12. Review status: criteria provided, single submitter. Criteria: ICSL Variant Classification Criteria 13 December 2019. Collection method: clinical testing. Allele origin: germline.

NM_022124.6(CDH23):c.7050G>A (p.Ser2350=)

Gene: CDH23 (cadherin related 23; plus strand). Cytogenetic location: 10q22.1.
Variant type: single nucleotide variant.
Coding change: c.7050G>A on transcript NM_022124.6 (MANE Select); coding-DNA position 7050, G replaced by A.
Protein change: p.Ser2350=; no amino-acid change (serine 2350 retained).
Molecular consequence: synonymous variant.
Genome position (GRCh38, 1-based): chr10:71,798,574, G>A. VCF-style: chr10-71798574-G-A. GRCh37 (hg19) VCF-style: chr10-73558331-G-A.
Other names: c.330G>A, p.Ser110= (NM_001171933.1, NM_001171934.1).
Identifiers: ClinVar variation 877216 (VCV000877216.14), dbSNP rs761613739, ClinGen allele CA5546237.